The following is an entry in ClinVar:

NM_000238.4(KCNH2):c.544T>G (p.Ser182Ala)

Gene: KCNH2 (potassium voltage-gated channel subfamily H member 2; minus strand). Cytogenetic location: 7q36.1.
Variant type: single nucleotide variant.
Coding change: c.544T>G on transcript NM_000238.4 (MANE Select); coding-DNA position 544, T replaced by G.
Protein change: p.Ser182Ala; replaces serine 182 with alanine.
Molecular consequence: missense variant. On other transcripts: non-coding transcript variant (1).
Genome position (GRCh38, 1-based): chr7:150,958,431, A>C on the plus strand (T>G on the coding strand, the complement: KCNH2 is on the minus strand). VCF-style: chr7-150958431-A-C. GRCh37 (hg19) VCF-style: chr7-150655519-A-C.
Other names: c.256T>G, p.Ser86Ala (NM_001406753.1, NM_001406756.1); c.367T>G, p.Ser123Ala (NM_001406755.1); c.244T>G, p.Ser82Ala (NM_001406757.1); c.544T>G, p.Ser182Ala (NM_172056.3); short protein forms S123A, S182A, S82A, S86A.
Identifiers: ClinVar variation 4858629 (VCV004858629.1).

ClinVar aggregate classification (germline): Uncertain significance (1 of 4 stars; one submission).

Conditions:
Cardiovascular phenotype. Identifiers: MedGen CN230736.

Submission:

Ambry Genetics
Classification: Uncertain significance for Cardiovascular phenotype. Last evaluated: 2026-04-23. Review status: criteria provided, single submitter. Criteria: Ambry Variant Classification Scheme 2023. Collection method: clinical testing. Allele origin: germline.
Comment: The p.S182A variant (also known as c.544T>G), located in coding exon 4 of the KCNH2 gene, results from a T to G substitution at nucleotide position 544. The serine at codon 182 is replaced by alanine, an amino acid with similar properties. This amino acid position is conserved. In addition, this alteration is predicted to be tolerated by in silico analysis. Based on the available evidence, the clinical significance of this variant remains unclear.